The following is an entry in ClinVar:

ClinVar aggregate classification (germline): Uncertain significance. Review status: criteria provided, multiple submitters, no conflicts (2 of 4 stars). 3 submissions from 3 submitters: Uncertain significance (3). Last evaluated 2024-05-29.

Conditions:
Pheochromocytoma. Also called: MAX-Related Hereditary Paraganglioma-Pheochromocytoma Syndrome. Identifiers: Orphanet 29072, MedGen C0031511, MONDO:0008233, OMIM 171300, HP:0002666.
Hereditary cancer-predisposing syndrome. Also called: Hereditary neoplastic syndrome; Hereditary Cancer Syndrome; Tumor predisposition; Neoplastic Syndromes, Hereditary. Identifiers: Orphanet 140162, MedGen C0027672, MeSH D009386, MONDO:0015356.
Hereditary pheochromocytoma and paraganglioma. Also called: Hereditary pheochromocytoma-paraganglioma; Hereditary Paraganglioma-Pheochromocytoma Syndromes; Hereditary paragangliomas and pheochromocytomas. Identifiers: Orphanet 29072, MedGen C4274332, MONDO:0017366.

Allele frequency attached by ClinVar (database versions not stated): gnomAD exomes below 0.00001; gnomAD 0.00001.
gnomAD v4.1: 2 of 1,613,956 alleles (0.00012%); highest among the groups gnomAD compares: Non-Finnish European, 0.00017%; no homozygotes.

Submissions (3):

Labcorp Genetics (formerly Invitae), Labcorp
Classification: Uncertain significance for Hereditary pheochromocytoma and paraganglioma. Last evaluated: 2024-05-29. Review status: criteria provided, single submitter. Criteria: Invitae Variant Classification Sherloc (09022015). Collection method: clinical testing. Allele origin: germline.
Comment: This sequence change replaces tyrosine, which is neutral and polar, with histidine, which is basic and polar, at codon 220 of the TMEM127 protein (p.Tyr220His). This variant is not present in population databases (gnomAD no frequency). This variant has not been reported in the literature in individuals affected with TMEM127-related conditions. ClinVar contains an entry for this variant (Variation ID: 1014859). An algorithm developed to predict the effect of missense changes on protein structure and function (PolyPhen-2) suggests that this variant is likely to be disruptive. In summary, the available evidence is currently insufficient to determine the role of this variant in disease. Therefore, it has been classified as a Variant of Uncertain Significance.

Baylor Genetics
Classification: Uncertain significance for Pheochromocytoma. Last evaluated: 2023-11-02. Review status: criteria provided, single submitter. Criteria: ACMG Guidelines, 2015. Collection method: clinical testing. Allele origin: unknown.

Ambry Genetics
Classification: Uncertain significance for Hereditary cancer-predisposing syndrome. Last evaluated: 2022-11-04. Review status: criteria provided, single submitter. Criteria: Ambry Variant Classification Scheme 2023. Collection method: clinical testing. Allele origin: germline.
Comment: The p.Y220H variant (also known as c.658T>C), located in coding exon 3 of the TMEM127 gene, results from a T to C substitution at nucleotide position 658. The tyrosine at codon 220 is replaced by histidine, an amino acid with similar properties. This amino acid position is conserved. In addition, the in silico prediction for this alteration is inconclusive. Since supporting evidence is limited at this time, the clinical significance of this alteration remains unclear.

NM_017849.4(TMEM127):c.658T>C (p.Tyr220His)

Gene: TMEM127 (transmembrane protein 127; minus strand). Cytogenetic location: 2q11.2.
Variant type: single nucleotide variant.
Coding change: c.658T>C on transcript NM_017849.4 (MANE Select); coding-DNA position 658, T replaced by C.
Protein change: p.Tyr220His; replaces tyrosine 220 with histidine.
Molecular consequence: missense variant.
Genome position (GRCh38, 1-based): chr2:96,253,867, A>G on the plus strand (T>C on the coding strand, the complement: TMEM127 is on the minus strand). VCF-style: chr2-96253867-A-G. GRCh37 (hg19) VCF-style: chr2-96919605-A-G.
Other names: c.658T>C (NM_017849.3); c.658T>C, p.Tyr220His (NM_001193304.3); short protein forms Y220H.
Identifiers: ClinVar variation 1014859 (VCV001014859.11), dbSNP rs1684141729, ClinGen allele CA347651492.